The following is an entry in ClinVar:

NM_152515.5(CKAP2L):c.1712T>C (p.Phe571Ser)

Gene: CKAP2L (cytoskeleton associated protein 2 like; minus strand). Cytogenetic location: 2q14.1.
Variant type: single nucleotide variant.
Coding change: c.1712T>C on transcript NM_152515.5 (MANE Select); coding-DNA position 1712, T replaced by C.
Protein change: p.Phe571Ser; replaces phenylalanine 571 with serine.
Molecular consequence: missense variant. On other transcripts: non-coding transcript variant (1).
Genome position (GRCh38, 1-based): chr2:112,746,466, A>G on the plus strand (T>C on the coding strand, the complement: CKAP2L is on the minus strand). VCF-style: chr2-112746466-A-G. GRCh37 (hg19) VCF-style: chr2-113504043-A-G.
Other names: c.1217T>C, p.Phe406Ser (NM_001304361.2); short protein forms F406S, F571S.
Identifiers: ClinVar variation 1483361 (VCV001483361.8), dbSNP rs1680203848, ClinGen allele CA348293130.

ClinVar aggregate classification (germline): Uncertain significance (1 of 4 stars; one submission).

Allele frequency attached by ClinVar (database versions not stated): gnomAD exomes 0.00001; TOPMed 0.00001.
gnomAD v4.1: 3 of 1,613,286 alleles (0.00019%); highest among the groups gnomAD compares: Non-Finnish European, 0.00025%; no homozygotes.

Submission:

Labcorp Genetics (formerly Invitae), Labcorp
Classification: Uncertain significance. Last evaluated: 2024-03-15. Review status: criteria provided, single submitter. Criteria: Invitae Variant Classification Sherloc (09022015). Collection method: clinical testing. Allele origin: germline.
Comment: This sequence change replaces phenylalanine, which is neutral and non-polar, with serine, which is neutral and polar, at codon 571 of the CKAP2L protein (p.Phe571Ser). This variant is not present in population databases (gnomAD no frequency). This variant has not been reported in the literature in individuals affected with CKAP2L-related conditions. ClinVar contains an entry for this variant (Variation ID: 1483361). Advanced modeling of protein sequence and biophysical properties (such as structural, functional, and spatial information, amino acid conservation, physicochemical variation, residue mobility, and thermodynamic stability) performed at Invitae indicates that this missense variant is expected to disrupt CKAP2L protein function with a positive predictive value of 80%. In summary, the available evidence is currently insufficient to determine the role of this variant in disease. Therefore, it has been classified as a Variant of Uncertain Significance.